The following is an entry in ClinVar:

NM_000252.3(MTM1):c.302_303del (p.Ser101fs)

Gene: MTM1 (myotubularin 1; plus strand). Cytogenetic location: Xq28.
Variant type: Deletion.
Coding change: c.302_303del on transcript NM_000252.3 (MANE Select); coding-DNA positions 302 to 303, 2 bases deleted (GT; older notation c.302_303delGT).
Protein change: p.Ser101fs; shifts the reading frame from serine 101.
Molecular consequence: frameshift variant. On other transcripts: intron variant (1).
Genome position (GRCh38, 1-based): chrX:150,614,659-150,614,660, GT deleted. VCF-style (leftmost placement, unchanged base first): chrX-150614658-AGT-A. GRCh37 (hg19) VCF-style: chrX-149783131-AGT-A.
Other names: c.302_303del, p.Ser101fs (NM_001376906.1, NM_001376908.1); c.232-4379_232-4378del (NM_001376907.1); short protein forms S101fs.
Identifiers: ClinVar variation 1725313 (VCV001725313.2), dbSNP rs2522227824, ClinGen allele CA2580101631.

ClinVar aggregate classification (germline): Likely pathogenic (1 of 4 stars; one submission).

Conditions:
Severe X-linked myotubular myopathy (CNMX). Also called: MYOTUBULAR MYOPATHY 1; Myotubular myopathy, X-linked; X-linked centronuclear myopathy. Identifiers: Orphanet 596, MedGen C0410203, MONDO:0010683, OMIM 310400.

Submission:

Myriad Genetics, Inc.
Classification: Likely pathogenic for Severe X-linked myotubular myopathy. Last evaluated: 2021-12-02. Review status: criteria provided, single submitter. Criteria: Myriad Women's Health Autosomal Recessive and X-Linked Classification Criteria (2021). Collection method: clinical testing. Allele origin: unknown.
Comment: NM_000252.2(MTM1):c.302_303delGT(S101Kfs*13) is expected to be pathogenic in the context of X-linked myotubular myopathy. This variant is predicted to lead to an abnormal or absent protein product due to the creation of a premature termination codon in MTM1, a gene where loss-of-function variants are known to be pathogenic. Please note: this variant was assessed in the context of healthy population screening.